The following is an entry in ClinVar:

Single allele

Gene: CLN3 (CLN3 lysosomal/endosomal transmembrane protein, battenin; minus strand). Cytogenetic location: 16p11.2.
Variant type: Deletion.
Identifiers: ClinVar variation 997815 (VCV000997815.1).

ClinVar aggregate classification (germline): Pathogenic (0 of 4 stars; one submission).

Conditions:
Intellectual disability. Also called: Intellectual functioning disability; intellectual disabilities; Intellectual developmental disorder. Identifiers: MedGen C3714756, MeSH D008607, MONDO:0001071, HP:0001249.

Submission:

Institute of Human Genetics, University of Leipzig Medical Center
Classification: Pathogenic for Intellectual disability. Last evaluated: 2021-02-25. Review status: no assertion criteria provided. Collection method: clinical testing. Allele origin: inherited. Inheritance: Autosomal recessive inheritance. Affected: yes. Observed: 1 variant allele, 1 homozygote.
Comment: The variant was reviewed according to current ACMG recommendations and classified as Pathogenic (criteria: PVS1_Strong, PM2_Supporting, PM3_Moderate).